The following is an entry in ClinVar:

NM_152564.5(VPS13B):c.5235A>C (p.Glu1745Asp)

Gene: VPS13B (vacuolar protein sorting 13 homolog B; plus strand). Cytogenetic location: 8q22.2.
Variant type: single nucleotide variant.
Coding change: c.5235A>C on transcript NM_152564.5 (MANE Select); coding-DNA position 5235, A replaced by C.
Protein change: p.Glu1745Asp; replaces glutamic acid 1745 with aspartic acid.
Molecular consequence: missense variant.
Genome position (GRCh38, 1-based): chr8:99,641,825, A>C. VCF-style: chr8-99641825-A-C. GRCh37 (hg19) VCF-style: chr8-100654053-A-C.
Other names: c.5310A>C (NM_017890.3); c.5235A>C (NM_152564.4); c.5310A>C, p.Glu1770Asp (NM_017890.5); short protein forms E1770D, E1745D.
Identifiers: ClinVar variation 963148 (VCV000963148.13), dbSNP rs751179813, ClinGen allele CA4823791.

ClinVar aggregate classification (germline): Uncertain significance. Review status: criteria provided, multiple submitters, no conflicts (2 of 4 stars). 4 submissions from 4 submitters: Uncertain significance (3). 1 of the submissions does not count toward it. Last evaluated 2025-05-27.

Conditions:
VPS13B-related disorder. Also called: VPS13B-related condition.
Cohen syndrome (COH1). Also called: PEPPER SYNDROME; Cutis verticis gyrata, retinitis pigmentosa, and sensorineural deafness. Identifiers: Orphanet 193, MedGen C0265223, MONDO:0008999, OMIM 216550.
Inborn genetic diseases. Identifiers: MedGen C0950123, MeSH D030342.

Allele frequency attached by ClinVar (database versions not stated): ExAC 0.00001; gnomAD exomes 0.00001; TOPMed 0.00001; gnomAD 0.00002.
gnomAD v4.1: 30 of 1,610,836 alleles (0.0019%); highest among the groups gnomAD compares: Non-Finnish European, 0.0025%; no homozygotes.

Submissions (4):

PreventionGenetics, part of Exact Sciences
Classification: Uncertain significance for VPS13B-related condition. Last evaluated: 2025-05-27. Review status: criteria provided, single submitter. Criteria: ACMG Guidelines, 2015. Collection method: clinical testing. Allele origin: germline.
Comment: The VPS13B c.5235A>C variant is predicted to result in the amino acid substitution p.Glu1745Asp. To our knowledge, this variant has not been reported in the literature. This variant is reported in 0.0023% of alleles in individuals of European (Non-Finnish) descent in gnomAD. At this time, the clinical significance of this variant is uncertain due to the absence of conclusive functional and genetic evidence.

Labcorp Genetics (formerly Invitae), Labcorp
Classification: Uncertain significance for Cohen syndrome. Last evaluated: 2025-04-10. Review status: criteria provided, single submitter. Criteria: Invitae Variant Classification Sherloc (09022015). Collection method: clinical testing. Allele origin: germline.
Comment: This sequence change replaces glutamic acid, which is acidic and polar, with aspartic acid, which is acidic and polar, at codon 1770 of the VPS13B protein (p.Glu1770Asp). This variant is present in population databases (rs751179813, gnomAD 0.002%). This variant has not been reported in the literature in individuals affected with VPS13B-related conditions. ClinVar contains an entry for this variant (Variation ID: 963148). Invitae Evidence Modeling of protein sequence and biophysical properties (such as structural, functional, and spatial information, amino acid conservation, physicochemical variation, residue mobility, and thermodynamic stability) indicates that this missense variant is not expected to disrupt VPS13B protein function with a negative predictive value of 80%. In summary, the available evidence is currently insufficient to determine the role of this variant in disease. Therefore, it has been classified as a Variant of Uncertain Significance.

Ambry Genetics
Classification: Uncertain significance for Inborn genetic diseases. Last evaluated: 2023-06-13. Review status: criteria provided, single submitter. Criteria: Ambry Variant Classification Scheme 2023. Collection method: clinical testing. Allele origin: germline.

Natera, Inc.
Classification: Uncertain significance for Cohen syndrome. Last evaluated: 2021-06-17. Review status: no assertion criteria provided. Collection method: clinical testing. Allele origin: germline. Not counted in ClinVar's aggregate classification.